The following is an entry in ClinVar:

NM_001386393.1(PANK2):c.1376T>G (p.Ile459Ser)

Gene: PANK2 (pantothenate kinase 2; plus strand). Cytogenetic location: 20p13.
Variant type: single nucleotide variant.
Coding change: c.1376T>G on transcript NM_001386393.1 (MANE Select); coding-DNA position 1376, T replaced by G.
Protein change: p.Ile459Ser; replaces isoleucine 459 with serine.
Molecular consequence: missense variant. On other transcripts: non-coding transcript variant (1).
Genome position (GRCh38, 1-based): chr20:3,923,287, T>G. VCF-style: chr20-3923287-T-G. GRCh37 (hg19) VCF-style: chr20-3903934-T-G.
Other names: c.833T>G, p.Ile278Ser (NM_001324191.2, NM_024960.6, NM_153640.4); c.398T>G, p.Ile133Ser (NM_001324193.2); c.1706T>G, p.Ile569Ser (NM_153638.4); short protein forms I133S, I278S, I459S, I569S.
Identifiers: ClinVar variation 2505665 (VCV002505665.1), dbSNP rs2090675246, ClinGen allele CA408122981.

ClinVar aggregate classification (germline): Uncertain significance (1 of 4 stars; one submission).

Allele frequency attached by ClinVar (database versions not stated): gnomAD exomes below 0.00001.
gnomAD v4.1: 1 of 1,614,196 alleles (0.000062%); highest among the groups gnomAD compares: Non-Finnish European, 0.000085%; no homozygotes.

Submission:

GeneDx
Classification: Uncertain significance. Last evaluated: 2022-12-16. Review status: criteria provided, single submitter. Criteria: GeneDx Variant Classification Process June 2021. Collection method: clinical testing. Allele origin: germline. Affected: yes.
Comment: Not observed at significant frequency in large population cohorts (gnomAD); In silico analysis supports that this missense variant does not alter protein structure/function; Has not been previously published as pathogenic or benign to our knowledge